The following is an entry in ClinVar:

ClinVar aggregate classification (germline): Likely pathogenic (1 of 4 stars; one submission).

Conditions:
Cortical dysplasia, complex, with other brain malformations 13. Also called: Intellectual disability, autosomal dominant 13. Identifiers: MedGen C3281202, MONDO:0013805, OMIM 614563.

Submission:

Victorian Clinical Genetics Services, Murdoch Childrens Research Institute
Classification: Likely pathogenic for Cortical dysplasia, complex, with other brain malformations 13. Last evaluated: 2025-07-20. Review status: criteria provided, single submitter. Criteria: ACMG Guidelines, 2015. Collection method: clinical testing. Allele origin: germline. Affected: yes.
Comment: This variant is classified as Likely pathogenic. Evidence in support of pathogenic classification: Variant is absent from gnomAD (v2, v3 and v4); Additional information: Variant is predicted to result in a missense amino acid change from Lys to Glu; This variant is heterozygous; This gene is associated with autosomal dominant disease; This variant has no previous evidence of pathogenicity; No published evidence of segregation with disease has been identified for this variant; No published functional evidence has been identified for this variant; No comparable missense variants have previous evidence for pathogenicity; Variant is located in the annotated hydrolytic ATP binding site of dynein motor region domain (DECIPHER); Missense variant with inconclusive in silico prediction and/or uninformative conservation; Gain of function is a known mechanism of disease in this gene and is associated with Charcot-Marie-Tooth disease, axonal, type 2O (MIM#614228) and spinal muscular atrophy, lower extremity-predominant 1 (MIM#158600; ClinGen). The disease mechanism for cortical dysplasia, complex, with other brain malformations 13 (MIM#614563) is not well established (PMID: 28196890); Variants in this gene are known to have variable expressivity. Intrafamilial variability has been reported (PMID: 25512093).

Literature cited by the submitters: PubMed 25512093; PubMed 28196890.

NM_001376.5(DYNC1H1):c.5749A>G (p.Lys1917Glu)

Gene: DYNC1H1 (dynein cytoplasmic 1 heavy chain 1; plus strand). Cytogenetic location: 14q32.31.
Variant type: single nucleotide variant.
Coding change: c.5749A>G on transcript NM_001376.5 (MANE Select); coding-DNA position 5749, A replaced by G.
Protein change: p.Lys1917Glu; replaces lysine 1917 with glutamic acid.
Molecular consequence: missense variant.
Genome position (GRCh38, 1-based): chr14:102,007,040, A>G. VCF-style: chr14-102007040-A-G. GRCh37 (hg19) VCF-style: chr14-102473377-A-G.
Other names: short protein forms K1917E.
Identifiers: ClinVar variation 4531465 (VCV004531465.1).
Genomic context (GRCh38, chr14:102,007,040, plus strand): 5'-AAGCACTCTGTTGCTTTTCTTTAAACAGGACCTGCTGGAACTGGGAAAACAGAGTCTGTC[A>G]AAGCTCTTGGCCATCAGCTTGGACGGTTTGTTTTAGTTTTCAACTGTGATGAAACCTTTG-3'
Protein context (NP_001367.2, residues 1907-1927): PAGTGKTESV[Lys1917Glu]ALGHQLGRFV